The following is an entry in ClinVar:

ClinVar aggregate classification (germline): Uncertain significance (1 of 4 stars; one submission).

Conditions:
Hereditary cancer-predisposing syndrome. Also called: Neoplastic Syndromes, Hereditary; Tumor predisposition; Hereditary Cancer Syndrome; Hereditary neoplastic syndrome. Identifiers: Orphanet 140162, MedGen C0027672, MeSH D009386, MONDO:0015356.

Submission:

Ambry Genetics
Classification: Uncertain significance for Hereditary cancer-predisposing syndrome. Last evaluated: 2025-09-18. Review status: criteria provided, single submitter. Criteria: Ambry Variant Classification Scheme 2023. Collection method: clinical testing. Allele origin: germline.
Comment: The p.V32M variant (also known as c.94G>A), located in coding exon 1 of the CDK4 gene, results from a G to A substitution at nucleotide position 94. The valine at codon 32 is replaced by methionine, an amino acid with highly similar properties. This amino acid position is highly conserved in available vertebrate species. In addition, this alteration is predicted to be deleterious by in silico analysis. Based on the available evidence, the clinical significance of this variant remains unclear.

NM_000075.4(CDK4):c.94G>A (p.Val32Met)

Gene: CDK4 (cyclin dependent kinase 4; minus strand). Cytogenetic location: 12q14.1.
Variant type: single nucleotide variant.
Coding change: c.94G>A on transcript NM_000075.4 (MANE Select); coding-DNA position 94, G replaced by A.
Protein change: p.Val32Met; replaces valine 32 with methionine.
Molecular consequence: missense variant.
Genome position (GRCh38, 1-based): chr12:57,751,624, C>T on the plus strand (G>A on the coding strand, the complement: CDK4 is on the minus strand). VCF-style: chr12-57751624-C-T. GRCh37 (hg19) VCF-style: chr12-58145407-C-T.
Other names: short protein forms V32M.
Identifiers: ClinVar variation 4633099 (VCV004633099.1).